The following is an entry in ClinVar:

NM_032801.5(JAM3):c.921G>A (p.Ser307=)

Gene: JAM3 (junctional adhesion molecule 3; plus strand). Cytogenetic location: 11q25.
Variant type: single nucleotide variant.
Coding change: c.921G>A on transcript NM_032801.5 (MANE Select); coding-DNA position 921, G replaced by A.
Protein change: p.Ser307=; no amino-acid change (serine 307 retained).
Molecular consequence: synonymous variant.
Genome position (GRCh38, 1-based): chr11:134,149,169, G>A. VCF-style: chr11-134149169-G-A. GRCh37 (hg19) VCF-style: chr11-134019064-G-A.
Other names: c.768G>A, p.Ser256= (NM_001205329.2).
Identifiers: ClinVar variation 789802 (VCV000789802.33), dbSNP rs144672452, ClinGen allele CA6370294.

ClinVar aggregate classification (germline): Benign/Likely benign. Review status: criteria provided, multiple submitters, no conflicts (2 of 4 stars). 3 submissions from 3 submitters: Benign (1); Likely benign (1). 1 of the submissions does not count toward it. Last evaluated 2025-11-10.

Conditions:
JAM3-related disorder. Also called: JAM3-related condition.

Allele frequency attached by ClinVar (database versions not stated): gnomAD exomes 0.00053; ExAC 0.00073; 1000 Genomes Project 0.00120; gnomAD 0.00182; 1000 Genomes Project 30x 0.00187; ESP Exome Variant Server 0.00215; TOPMed 0.00233.

Submissions (3):

Labcorp Genetics (formerly Invitae), Labcorp
Classification: Benign. Last evaluated: 2025-11-10. Review status: criteria provided, single submitter. Criteria: Invitae Variant Classification Sherloc (09022015). Collection method: clinical testing. Allele origin: germline.

CeGaT Center for Human Genetics Tuebingen
Classification: Likely benign. Last evaluated: 2023-12-01. Review status: criteria provided, single submitter. Criteria: CeGaT Center For Human Genetics Tuebingen Variant Classification Criteria Version 2. Collection method: clinical testing. Allele origin: germline. Affected: yes. Observed: 1 variant allele.
Comment: JAM3: BP4, BP7

PreventionGenetics, part of Exact Sciences
Classification: Benign for JAM3-related condition. Last evaluated: 2019-12-24. Review status: no assertion criteria provided. Collection method: clinical testing. Allele origin: germline. Not counted in ClinVar's aggregate classification.
Comment: This variant is classified as benign based on ACMG/AMP sequence variant interpretation guidelines (Richards et al. 2015 PMID: 25741868, with internal and published modifications).